The following is an entry in ClinVar:

ClinVar aggregate classification (germline): Benign (1 of 4 stars; one submission).

Conditions:
Weill-Marchesani 4 syndrome, recessive. Also called: Weill-Marchesani syndrome 4. Identifiers: Orphanet 363992, MedGen C2750787, MONDO:0013176, OMIM 613195.

Allele frequency attached by ClinVar (database versions not stated): gnomAD 0.00983 and 0.01067; TOPMed 0.01115; 1000 Genomes Project 0.01198; 1000 Genomes Project 30x 0.01280.

Submission:

Illumina Laboratory Services, Illumina
Classification: Benign for Weill-Marchesani 4 syndrome, recessive. Last evaluated: 2018-01-13. Review status: criteria provided, single submitter. Criteria: ICSL Variant Classification Criteria 13 December 2019. Collection method: clinical testing. Allele origin: germline.
Comment: This variant was observed in the ICSL laboratory as part of a predisposition screen in an ostensibly healthy population. It had not been previously curated by ICSL or reported in the Human Gene Mutation Database (HGMD: prior to June 1st, 2018), and was therefore a candidate for classification through an automated scoring system. Utilizing variant allele frequency, disease prevalence and penetrance estimates, and inheritance mode, an automated score was calculated to assess if this variant is too frequent to cause the disease. Based on the score and internal cut-off values, a variant classified as benign is not then subjected to further curation. The score for this variant resulted in a classification of benign for this disease.

NM_139057.4(ADAMTS17):c.*2722G>A

Gene: ADAMTS17 (ADAM metallopeptidase with thrombospondin type 1 motif 17; minus strand). Cytogenetic location: 15q26.3.
Variant type: single nucleotide variant.
Coding change: c.*2722G>A on transcript NM_139057.4 (MANE Select); 2722 bases downstream of the stop codon, G replaced by A.
Molecular consequence: 3 prime UTR variant.
Genome position (GRCh38, 1-based): chr15:99,971,680, C>T on the plus strand (G>A on the coding strand, the complement: ADAMTS17 is on the minus strand). VCF-style: chr15-99971680-C-T. GRCh37 (hg19) VCF-style: chr15-100511885-C-T.
Identifiers: ClinVar variation 315128 (VCV000315128.5), dbSNP rs116467016, ClinGen allele CA10646813.